The following is an entry in ClinVar:

ClinVar aggregate classification (germline): Pathogenic. Review status: criteria provided, single submitter (1 of 4 stars). 2 submissions from 2 submitters: Pathogenic (1). 1 of the submissions does not count toward it. Last evaluated 2025-09-10.

Conditions:
LOXHD1-related disorder. Also called: LOXHD1-related condition.
Autosomal recessive nonsyndromic hearing loss 77. Identifiers: Orphanet 90636, MedGen C2746083, MONDO:0013119, OMIM 613079.

gnomAD v4.1: 1 of 1,552,214 alleles (0.000064%); highest among the groups gnomAD compares: Middle Eastern, 0.017%; no homozygotes.

Submissions (2):

Genomic Medicine Center of Excellence, King Faisal Specialist Hospital and Research Centre
Classification: Pathogenic for Autosomal recessive nonsyndromic hearing loss 77. Last evaluated: 2025-09-10. Review status: criteria provided, single submitter. Criteria: ACMG Guidelines, 2015. Collection method: clinical testing. Allele origin: germline.

PreventionGenetics, part of Exact Sciences
Classification: Likely pathogenic for LOXHD1-related condition. Last evaluated: 2024-05-15. Review status: no assertion criteria provided. Collection method: clinical testing. Allele origin: germline. Not counted in ClinVar's aggregate classification.
Comment: The LOXHD1 c.1588G>T variant is predicted to result in premature protein termination (p.Glu530*). This variant has been reported in the homozygous state in multiple siblings with hearing loss from a consanguineous kindred (Vozzi et al 2014. PubMed ID: 24657061). This variant has not been reported in a large population database, indicating this variant is rare. Nonsense variants in LOXHD1 are expected to be pathogenic. This variant is interpreted as likely pathogenic.

NM_001384474.1(LOXHD1):c.1588G>T (p.Glu530Ter)

Gene: LOXHD1 (lipoxygenase homology PLAT domains 1; minus strand). Cytogenetic location: 18q21.1.
Variant type: single nucleotide variant.
Coding change: c.1588G>T on transcript NM_001384474.1 (MANE Select); coding-DNA position 1588, G replaced by T.
Protein change: p.Glu530Ter; replaces glutamic acid 530 with a stop codon.
Molecular consequence: nonsense.
Genome position (GRCh38, 1-based): chr18:46,591,999, C>A on the plus strand (G>T on the coding strand, the complement: LOXHD1 is on the minus strand). VCF-style: chr18-46591999-C-A. GRCh37 (hg19) VCF-style: chr18-44171962-C-A.
Other names: c.1588G>T, p.Glu530Ter (NM_144612.7); short protein forms E530*.
Identifiers: ClinVar variation 3348104 (VCV003348104.2).
Genomic context (GRCh38, chr18:46,591,999, plus strand): 5'-TGATCCTGCGCACTGTTGGGCCTTCTGCAGTCATTTCCCTCACTATCTCATTGTCATCCT[C>A]ATTGGCATCCAGCCAGCGGTTGCAATTGAAGTTGTACTTGTCTTTGTTCAGAGTGTTCAT-3'